The following is an entry in ClinVar:

ClinVar aggregate classification (germline): Uncertain significance (1 of 4 stars; one submission).

Submission:

Labcorp Genetics (formerly Invitae), Labcorp
Classification: Uncertain significance. Last evaluated: 2021-06-19. Review status: criteria provided, single submitter. Criteria: Invitae Variant Classification Sherloc (09022015). Collection method: clinical testing. Allele origin: germline.
Comment: This variant is not present in population databases (ExAC no frequency). This sequence change replaces leucine with proline at codon 145 of the NDUFAF5 protein (p.Leu145Pro). The leucine residue is highly conserved and there is a moderate physicochemical difference between leucine and proline. This variant has not been reported in the literature in individuals with NDUFAF5-related conditions. In summary, the available evidence is currently insufficient to determine the role of this variant in disease. Therefore, it has been classified as a Variant of Uncertain Significance. Algorithms developed to predict the effect of missense changes on protein structure and function (SIFT, PolyPhen-2, Align-GVGD) all suggest that this variant is likely to be disruptive, but these predictions have not been confirmed by published functional studies and their clinical significance is uncertain.

NM_024120.5(NDUFAF5):c.434T>C (p.Leu145Pro)

Gene: NDUFAF5 (NADH:ubiquinone oxidoreductase complex assembly factor 5; plus strand). Cytogenetic location: 20p12.1.
Variant type: single nucleotide variant.
Coding change: c.434T>C on transcript NM_024120.5 (MANE Select); coding-DNA position 434, T replaced by C.
Protein change: p.Leu145Pro; replaces leucine 145 with proline.
Molecular consequence: missense variant. On other transcripts: 5 prime UTR variant (2), non-coding transcript variant (5), intron variant (2).
Genome position (GRCh38, 1-based): chr20:13,794,896, T>C. VCF-style: chr20-13794896-T-C. GRCh37 (hg19) VCF-style: chr20-13775542-T-C.
Other names: c.-128T>C (NM_001352406.2, NM_001352407.2); c.434T>C, p.Leu145Pro (NM_001352408.2); c.395+1669T>C (NM_001039375.3); c.8+1669T>C (NM_001352403.2); short protein forms L145P.
Identifiers: ClinVar variation 1362298 (VCV001362298.8), dbSNP rs2147516300, ClinGen allele CA408268886.